The following is an entry in ClinVar:

NM_015215.4(CAMTA1):c.699C>G (p.Asn233Lys)

Gene: CAMTA1 (calmodulin binding transcription activator 1; plus strand). Cytogenetic location: 1p36.23.
Variant type: single nucleotide variant.
Coding change: c.699C>G on transcript NM_015215.4 (MANE Select); coding-DNA position 699, C replaced by G.
Protein change: p.Asn233Lys; replaces asparagine 233 with lysine.
Molecular consequence: missense variant.
Genome position (GRCh38, 1-based): chr1:7,661,760, C>G. VCF-style: chr1-7661760-C-G. GRCh37 (hg19) VCF-style: chr1-7721820-C-G.
Other names: c.609C>G, p.Asn203Lys (NM_001349608.2, NM_001349612.2); c.699C>G, p.Asn233Lys (NM_001349609.2, NM_001349610.2, NM_001410737.1); c.627C>G, p.Asn209Lys (NM_001410738.1); short protein forms N203K, N209K, N233K.
Identifiers: ClinVar variation 2431625 (VCV002431625.2), dbSNP rs1038376650, ClinGen allele CA338120392.

ClinVar aggregate classification (germline): Uncertain significance (1 of 4 stars; one submission).

Conditions:
Cerebellar dysfunction with variable cognitive and behavioral abnormalities (CECBA). Also called: Nonprogressive cerebellar atxia with intellectual disability. Identifiers: Orphanet 314647, MedGen C3553661, MONDO:0013886, OMIM 614756.

Submission:

Laboratorio de Genetica e Diagnostico Molecular, Hospital Israelita Albert Einstein
Classification: Uncertain significance for Cerebellar dysfunction with variable cognitive and behavioral abnormalities. Last evaluated: 2022-05-26. Review status: criteria provided, single submitter. Criteria: ACMG Guidelines, 2015. Collection method: clinical testing. Allele origin: germline. Affected: yes.
Comment: ACMG classification criteria: PM2 moderated, BP4 supporting